The following is an entry in ClinVar:

ClinVar aggregate classification (germline): Uncertain significance (1 of 4 stars; one submission).

Conditions:
Hereditary cancer-predisposing syndrome. Also called: Neoplastic Syndromes, Hereditary; Tumor predisposition; Hereditary Cancer Syndrome; Hereditary neoplastic syndrome. Identifiers: Orphanet 140162, MedGen C0027672, MeSH D009386, MONDO:0015356.

Submission:

Ambry Genetics
Classification: Uncertain significance for Hereditary cancer-predisposing syndrome. Last evaluated: 2017-09-25. Review status: criteria provided, single submitter. Criteria: Ambry Variant Classification Scheme 2023. Collection method: clinical testing. Allele origin: germline.
Comment: The p.A237P variant (also known as c.709G>C), located in coding exon 5 of the CHEK2 gene, results from a G to C substitution at nucleotide position 709. The alanine at codon 237 is replaced by proline, an amino acid with highly similar properties. This amino acid position is highly conserved in available vertebrate species. In addition, this alteration is predicted to be deleterious by in silico analysis. Since supporting evidence is limited at this time, the clinical significance of this alteration remains unclear.

NM_007194.4(CHEK2):c.709G>C (p.Ala237Pro)

Gene: CHEK2 (checkpoint kinase 2; minus strand). Cytogenetic location: 22q12.1.
Variant type: single nucleotide variant.
Coding change: c.709G>C on transcript NM_007194.4 (MANE Select); coding-DNA position 709, G replaced by C.
Protein change: p.Ala237Pro; replaces alanine 237 with proline.
Molecular consequence: missense variant.
Genome position (GRCh38, 1-based): chr22:28,711,992, C>G on the plus strand (G>C on the coding strand, the complement: CHEK2 is on the minus strand). VCF-style: chr22-28711992-C-G. GRCh37 (hg19) VCF-style: chr22-29107980-C-G.
Other names: c.838G>C, p.Ala280Pro (NM_001005735.3); c.46G>C, p.Ala16Pro (NM_001257387.3); c.508G>C, p.Ala170Pro (NM_001349956.3); c.709G>C, p.Ala237Pro (NM_145862.3); short protein forms A170P, A280P, A16P, A237P.
Identifiers: ClinVar variation 1757148 (VCV001757148.2), dbSNP rs1179425981, ClinGen allele CA411103420.